The following is an entry in ClinVar:

ClinVar aggregate classification (germline): Uncertain significance. Review status: criteria provided, multiple submitters, no conflicts (2 of 4 stars). 2 submissions from 2 submitters: Uncertain significance (2). Last evaluated 2025-08-30.

Conditions:
Inborn genetic diseases. Identifiers: MedGen C0950123, MeSH D030342.
Nephronophthisis 15 (NPHP15). Identifiers: Orphanet 3156, MedGen C3541853, MONDO:0013917, OMIM 614845.

Allele frequency attached by ClinVar (database versions not stated): gnomAD exomes below 0.00001 and 0.00001; ExAC 0.00001.
gnomAD v4.1: 8 of 1,608,346 alleles (0.0005%); highest among the groups gnomAD compares: Middle Eastern, 0.017%; no homozygotes.

Submissions (2):

Ambry Genetics
Classification: Uncertain significance for Inborn genetic diseases. Last evaluated: 2025-08-30. Review status: criteria provided, single submitter. Criteria: Ambry Variant Classification Scheme 2023. Collection method: clinical testing. Allele origin: germline.

Labcorp Genetics (formerly Invitae), Labcorp
Classification: Uncertain significance for Nephronophthisis 15. Last evaluated: 2022-07-25. Review status: criteria provided, single submitter. Criteria: Invitae Variant Classification Sherloc (09022015). Collection method: clinical testing. Allele origin: germline.
Comment: ClinVar contains an entry for this variant (Variation ID: 1041653). This variant has not been reported in the literature in individuals affected with CEP164-related conditions. This variant is present in population databases (rs748972612, gnomAD 0.003%). This sequence change replaces glutamic acid, which is acidic and polar, with glutamine, which is neutral and polar, at codon 1058 of the CEP164 protein (p.Glu1058Gln). Algorithms developed to predict the effect of missense changes on protein structure and function are either unavailable or do not agree on the potential impact of this missense change (SIFT: "Tolerated"; PolyPhen-2: "Probably Damaging"; Align-GVGD: "Class C0"). In summary, the available evidence is currently insufficient to determine the role of this variant in disease. Therefore, it has been classified as a Variant of Uncertain Significance.

NM_014956.5(CEP164):c.3172G>C (p.Glu1058Gln)

Gene: CEP164 (centrosomal protein 164; plus strand). Cytogenetic location: 11q23.3.
Variant type: single nucleotide variant.
Coding change: c.3172G>C on transcript NM_014956.5 (MANE Select); coding-DNA position 3172, G replaced by C.
Protein change: p.Glu1058Gln; replaces glutamic acid 1058 with glutamine.
Molecular consequence: missense variant.
Genome position (GRCh38, 1-based): chr11:117,396,136, G>C. VCF-style: chr11-117396136-G-C. GRCh37 (hg19) VCF-style: chr11-117266852-G-C.
Other names: c.3181G>C, p.Glu1061Gln (NM_001271933.2); c.3172G>C (NM_014956.4); short protein forms E1058Q, E1061Q.
Identifiers: ClinVar variation 1041653 (VCV001041653.7), dbSNP rs748972612, ClinGen allele CA6295354.
Genomic context (GRCh38, chr11:117,396,136, plus strand): 5'-AAGAAGCAGCACCTGTTGAGAGAAGTGACAGTTGAGGAAAATAATGCTTCCCCACATTTT[G>C]AGCCAGATCTCCATATTGAGGACCTGAGGAAATCCCTTGGAACAGTGAGCTGGGGGCTGG-3'
Protein context (NP_055771.4, residues 1048-1068): VEENNASPHF[Glu1058Gln]PDLHIEDLRK